The following is an entry in ClinVar:

ClinVar aggregate classification (germline): Pathogenic. Review status: criteria provided, single submitter (1 of 4 stars). 2 submissions from 2 submitters: Pathogenic (1). 1 of the submissions does not count toward it. Last evaluated 2022-12-09.

Conditions:
Menkes kinky-hair syndrome (MNK). Also called: Classic Menkes Disease; Copper transport disease; Menkes Disease. Identifiers: Orphanet 565, MedGen C0022716, MONDO:0010651, OMIM 309400.

Submissions (2):

GeneDx
Classification: Pathogenic. Last evaluated: 2022-12-09. Review status: criteria provided, single submitter. Criteria: GeneDx Variant Classification Process June 2021. Collection method: clinical testing. Allele origin: germline. Affected: yes.
Comment: Canonical splice site variant expected to result in aberrant splicing; Published functional studies demonstrate that this variant results in aberrant splicing by skipping exon 16 (Moizard et al., 2011); Not observed at significant frequency in large population cohorts (gnomAD); This variant is associated with the following publications: (PMID: 25525159, 21208200, 21494555)

Inherited Neuropathy Consortium Ii, University Of Miami
Classification: Uncertain significance for Menkes kinky-hair syndrome. Last evaluated: 2016-01-06. Review status: no assertion criteria provided. Collection method: literature only. Allele origin: germline. Affected: yes. Not counted in ClinVar's aggregate classification.

Literature cited by the submitters: PubMed 21716286 (cited by Inherited Neuropathy Consortium Ii, University Of Miami).

NM_000052.7(ATP7A):c.3294+2T>C

Gene: ATP7A (ATPase copper transporting alpha; plus strand). Cytogenetic location: Xq21.1.
Variant type: single nucleotide variant.
Coding change: c.3294+2T>C on transcript NM_000052.7 (MANE Select); the canonical splice donor site of the intron after coding-DNA position 3294, T replaced by C.
Molecular consequence: splice donor variant.
Genome position (GRCh38, 1-based): chrX:78,031,584, T>C. VCF-style: chrX-78031584-T-C. GRCh37 (hg19) VCF-style: chrX-77287082-T-C.
Other names: c.3294+2T>C (NM_000052.6); c.3060+2T>C (NM_001282224.2).
Identifiers: ClinVar variation 2504858 (VCV002504858.2), dbSNP rs2522397551, ClinGen allele CA413603831.
Genomic context (GRCh38, chrX:78,031,584, plus strand): 5'-CTGCTGAAAGTAACAGTGAACACCCTCTAGGAACAGCCATAACCAAATATTGCAAACAGG[T>C]ACATTTTTTTCCTCTTGTTTATTAGTGTAGTCATCTCCTGTAGGAATTCCCCGGATCAAA-3'